The following is an entry in ClinVar:

NM_000169.3(GLA):c.346G>T (p.Gly116Trp)

Genes: GLA (galactosidase alpha; minus strand), RPL36A-HNRNPH2 (RPL36A-HNRNPH2 readthrough; plus strand). Cytogenetic location: Xq22.1.
Variant type: single nucleotide variant.
Coding change: c.346G>T on transcript NM_000169.3 (MANE Select); coding-DNA position 346, G replaced by T.
Protein change: p.Gly116Trp; replaces glycine 116 with tryptophan.
Molecular consequence: missense variant. On other transcripts: non-coding transcript variant (3), intron variant (2).
Genome position (GRCh38, 1-based): chrX:101,403,834, C>A on the plus strand (G>T on the coding strand, the complement: GLA is on the minus strand). VCF-style: chrX-101403834-C-A. GRCh37 (hg19) VCF-style: chrX-100658822-C-A.
Other names: c.469G>T, p.Gly157Trp (NM_001406747.1, NM_001406749.1); c.346G>T, p.Gly116Trp (NM_001406748.1); c.301-8102C>A (NM_001199973.2); c.178-8102C>A (NM_001199974.2); short protein forms G116W, G157W.
Identifiers: ClinVar variation 4087345 (VCV004087345.2).

ClinVar aggregate classification (germline): Uncertain significance (1 of 4 stars; one submission).

Conditions:
Fabry disease. Also called: ALPHA-GALACTOSIDASE A DEFICIENCY; ANDERSON-FABRY DISEASE; CERAMIDE TRIHEXOSIDASE DEFICIENCY; GLA DEFICIENCY; HEREDITARY DYSTOPIC LIPIDOSIS; Angiokeratoma corporis diffusum. Identifiers: Orphanet 324, MedGen C0002986, MONDO:0010526, OMIM 301500, HP:0001071. Disease mechanism: Fabry disease is due to inactivating mutations in the X-linked GLA gene resulting in deficiency of the enzyme Alpha Galactosidase-A., loss of function.

Submission:

Genomenon, Inc
Classification: Uncertain significance for Fabry disease. Last evaluated: 2026-09-08. Review status: criteria provided, single submitter. Criteria: Genomenon Sequence Variant Interpretation Standards - Updated. Collection method: curation. Allele origin: germline. Affected: yes.
Comment: GLA p.Gly116Trp (c.346G>T) is a missense variant that changes the amino acid at codon 116 from Glycine to Tryptophan. This variant has been observed in at least one proband with clinical features consistent with Fabry disease (PMID:37430370). Functional or patient cell studies have been reported (PMID:37430370). It is absent or not present at a significant frequency in gnomAD. In silico models predict that this variant is possibly or probably damaging. In conclusion, we classify GLA p.Gly116Trp (c.346G>T) as a variant of uncertain significance.

Literature cited by the submitters: PubMed 37430370.